The following is an entry in ClinVar:

NM_001148.6(ANK2):c.8414C>T (p.Pro2805Leu)

Gene: ANK2 (ankyrin 2; plus strand). Cytogenetic location: 4q26.
Variant type: single nucleotide variant.
Coding change: c.8414C>T on transcript NM_001148.6 (MANE Select); coding-DNA position 8414, C replaced by T.
Protein change: p.Pro2805Leu; replaces proline 2805 with leucine.
Molecular consequence: missense variant. On other transcripts: intron variant (68).
Genome position (GRCh38, 1-based): chr4:113,357,032, C>T. VCF-style: chr4-113357032-C-T. GRCh37 (hg19) VCF-style: chr4-114278188-C-T.
Other names: c.8180C>T, p.Pro2727Leu (NM_001386142.1); c.4814C>T, p.Pro1605Leu (NM_001386166.1); c.8555C>T, p.Pro2852Leu (NM_001386174.1); c.8531C>T, p.Pro2844Leu (NM_001386175.1); c.4412-3791C>T (NM_001386186.2, NM_001386148.2); c.4214-3791C>T (NM_001354269.3); c.4292-3791C>T (NM_001386187.2); c.4253-3791C>T (NM_001386147.1); and 35 more; short protein forms P1605L, P2727L, P2805L, P2844L, P2852L.
Identifiers: ClinVar variation 1763293 (VCV001763293.4), dbSNP rs575152865, ClinGen allele CA3051767.

ClinVar aggregate classification (germline): Conflicting classifications of pathogenicity. Review status: criteria provided, conflicting classifications (1 of 4 stars). 2 submissions from 2 submitters: Uncertain significance (1); Likely benign (1). Last evaluated 2025-02-11.

Conditions:
Cardiovascular phenotype. Identifiers: MedGen CN230736.
Long QT syndrome (LQTS). Identifiers: MedGen C0023976, MeSH D008133, MONDO:0002442. Disease mechanism: loss of function. Inheritance: Various modes of inheritance.

Allele frequency attached by ClinVar (database versions not stated): gnomAD 0.00001; TOPMed 0.00001; ExAC 0.00003; 1000 Genomes Project 0.00020; gnomAD exomes 0.00003; 1000 Genomes Project 30x 0.00016.
gnomAD v4.1: 47 of 1,613,970 alleles (0.0029%); highest among the groups gnomAD compares: South Asian, 0.047%; no homozygotes.

Submissions (2):

Labcorp Genetics (formerly Invitae), Labcorp
Classification: Uncertain significance for Long QT syndrome. Last evaluated: 2025-02-11. Review status: criteria provided, single submitter. Criteria: Invitae Variant Classification Sherloc (09022015). Collection method: clinical testing. Allele origin: germline.
Comment: This sequence change replaces proline, which is neutral and non-polar, with leucine, which is neutral and non-polar, at codon 2805 of the ANK2 protein (p.Pro2805Leu). This variant is present in population databases (rs575152865, gnomAD 0.04%). This variant has not been reported in the literature in individuals affected with ANK2-related conditions. ClinVar contains an entry for this variant (Variation ID: 1763293). An algorithm developed to predict the effect of missense changes on protein structure and function outputs the following: PolyPhen-2: "Benign". The leucine amino acid residue is found in multiple mammalian species, which suggests that this missense change does not adversely affect protein function. In summary, the available evidence is currently insufficient to determine the role of this variant in disease. Therefore, it has been classified as a Variant of Uncertain Significance.

Ambry Genetics
Classification: Likely benign for Cardiovascular phenotype. Last evaluated: 2023-11-02. Review status: criteria provided, single submitter. Criteria: Ambry Variant Classification Scheme 2023. Collection method: clinical testing. Allele origin: germline.